The following is an entry in ClinVar:

NM_198253.3(TERT):c.901C>T (p.Arg301Cys)

Gene: TERT (telomerase reverse transcriptase; minus strand). Cytogenetic location: 5p15.33.
Variant type: single nucleotide variant.
Coding change: c.901C>T on transcript NM_198253.3 (MANE Select); coding-DNA position 901, C replaced by T.
Protein change: p.Arg301Cys; replaces arginine 301 with cysteine.
Molecular consequence: missense variant. On other transcripts: non-coding transcript variant (2).
Genome position (GRCh38, 1-based): chr5:1,293,985, G>A on the plus strand (C>T on the coding strand, the complement: TERT is on the minus strand). VCF-style: chr5-1293985-G-A. GRCh37 (hg19) VCF-style: chr5-1294100-G-A.
Other names: c.901C>T, p.Arg301Cys (NM_001193376.3); short protein forms R301C.
Identifiers: ClinVar variation 3805760 (VCV003805760.1).

ClinVar aggregate classification (germline): Uncertain significance (1 of 4 stars; one submission).

Conditions:
Dyskeratosis congenita. Identifiers: Orphanet 1775, MedGen C0265965, MONDO:0015780.

gnomAD v4.1: 2 of 1,569,854 alleles (0.00013%); highest among the groups gnomAD compares: Non-Finnish European, 0.00017%; no homozygotes.

Submission:

Ambry Genetics
Classification: Uncertain significance for Dyskeratosis congenita. Last evaluated: 2025-01-14. Review status: criteria provided, single submitter. Criteria: Ambry Variant Classification Scheme 2023. Collection method: clinical testing. Allele origin: germline.
Comment: The p.R301C variant (also known as c.901C>T), located in coding exon 2 of the TERT gene, results from a C to T substitution at nucleotide position 901. The arginine at codon 301 is replaced by cysteine, an amino acid with highly dissimilar properties. This amino acid position is poorly conserved in available vertebrate species. In addition, this alteration is predicted to be tolerated by in silico analysis. Based on the available evidence, the clinical significance of this variant remains unclear.